The following is an entry in ClinVar:

ClinVar aggregate classification (germline): Uncertain significance. Review status: criteria provided, multiple submitters, no conflicts (2 of 4 stars). 2 submissions from 2 submitters: Uncertain significance (2). Last evaluated 2018-08-30.

Conditions:
Cardiovascular phenotype. Identifiers: MedGen CN230736.

Allele frequency attached by ClinVar (database versions not stated): TOPMed 0.00001; ExAC 0.00002; gnomAD exomes 0.00002; gnomAD 0.00003.
gnomAD v4.1: 22 of 1,613,180 alleles (0.0014%); highest among the groups gnomAD compares: Non-Finnish European, 0.0017%; no homozygotes.

Submissions (2):

Ambry Genetics
Classification: Uncertain significance for Cardiovascular phenotype. Last evaluated: 2018-08-30. Review status: criteria provided, single submitter. Criteria: Ambry Variant Classification Scheme 2023. Collection method: clinical testing. Allele origin: germline.
Comment: The p.V10924A variant (also known as c.32771T>C), located in coding exon 130 of the TTN gene, results from a T to C substitution at nucleotide position 32771. The valine at codon 10924 is replaced by alanine, an amino acid with similar properties. This amino acid position is well conserved in available vertebrate species; however, alanine is the reference amino acid in other vertebrate species. In addition, this alteration is predicted to be tolerated by in silico analysis. Since supporting evidence is limited at this time, the clinical significance of this alteration remains unclear.

GeneDx
Classification: Uncertain significance. Last evaluated: 2015-07-30. Review status: criteria provided, single submitter. Criteria: GeneDx Variant Classification (06012015). Collection method: clinical testing. Allele origin: germline. Affected: yes.
Comment: Missense variants in the TTN gene are considered 'unclassified' if they are not previously reported in the literature and do not have >1% frequency in the population to be considered a polymorphism. Research indicates that truncating mutations in the TTN gene are expected to account for approximately 25% of familial and 18% of sporadic idiopathic DCM; however, truncating variants in the TTN gene have been reported in approximately 3% of reported control alleles. There has been little investigation into non-truncating variants. (Herman D et al. Truncations of titin causing dilated cardiomyopathy. N Eng J Med 366:619-628, 2012) The variant is found in DCM panel(s).

NM_001267550.2(TTN):c.59966T>C (p.Val19989Ala)

Genes: TTN (titin; minus strand), TTN-AS1 (TTN antisense RNA 1; plus strand), LOC126806424 (CDK7 strongly-dependent group 2 enhancer GRCh37_chr2:179456337-179457536; plus strand). Cytogenetic location: 2q31.2.
Variant type: single nucleotide variant.
Coding change: c.59966T>C on transcript NM_001267550.2 (MANE Select); coding-DNA position 59966, T replaced by C.
Protein change: p.Val19989Ala; replaces valine 19989 with alanine.
Molecular consequence: missense variant.
Genome position (GRCh38, 1-based): chr2:178,591,853, A>G on the plus strand (T>C on the coding strand, the complement: TTN is on the minus strand). VCF-style: chr2-178591853-A-G. GRCh37 (hg19) VCF-style: chr2-179456580-A-G.
Other names: p.V18348A:GTT>GCT; c.55043T>C, p.Val18348Ala (NM_001256850.1); c.32771T>C, p.Val10924Ala (NM_003319.4); c.52262T>C, p.Val17421Ala (NM_133378.4); c.33146T>C, p.Val11049Ala (NM_133432.3); c.33347T>C, p.Val11116Ala (NM_133437.4); short protein forms V18348A, V19989A, V11049A, V17421A, V11116A, V10924A.
Identifiers: ClinVar variation 202746 (VCV000202746.4), dbSNP rs778982581, ClinGen allele CA310158.